The following is an entry in ClinVar:

ClinVar aggregate classification (germline): Uncertain significance (1 of 4 stars; one submission).

gnomAD v4.1: 1 of 1,613,150 alleles (0.000062%); highest among the groups gnomAD compares: South Asian, 0.0011%; no homozygotes.

Submission:

GeneDx
Classification: Uncertain significance. Last evaluated: 2024-12-09. Review status: criteria provided, single submitter. Criteria: GeneDx Variant Classification Process June 2021. Collection method: clinical testing. Allele origin: germline. Affected: yes.
Comment: Not observed at significant frequency in large population cohorts (gnomAD); In silico analysis indicates that this missense variant does not alter protein structure/function; Has not been previously published as pathogenic or benign to our knowledge

NM_000245.4(MET):c.2581A>G (p.Lys861Glu)

Gene: MET (MET proto-oncogene, receptor tyrosine kinase; plus strand). Cytogenetic location: 7q31.2.
Variant type: single nucleotide variant.
Coding change: c.2581A>G on transcript NM_000245.4 (MANE Select); coding-DNA position 2581, A replaced by G.
Protein change: p.Lys861Glu; replaces lysine 861 with glutamic acid.
Molecular consequence: missense variant.
Genome position (GRCh38, 1-based): chr7:116,763,266, A>G. VCF-style: chr7-116763266-A-G. GRCh37 (hg19) VCF-style: chr7-116403320-A-G.
Other names: c.2635A>G, p.Lys879Glu (NM_001127500.3); c.2581A>G, p.Lys861Glu (NM_001324401.3); c.1291A>G, p.Lys431Glu (NM_001324402.2); short protein forms K431E, K861E, K879E.
Identifiers: ClinVar variation 3901433 (VCV003901433.1).
Genomic context (GRCh38, chr7:116,763,266, plus strand): 5'-TTTAAGCCTTTTGAAAAGCCAGTGATGATCTCAATGGGCAATGAAAATGTACTGGAAATT[A>G]AGGTAAGAAATGCTTTAAACACTGTCTTAAATCATCAGCTCAAACTTAATTGACTTCATA-3'
Protein context (NP_000236.2, residues 851-871): SMGNENVLEI[Lys861Glu]GNDIDPEAVK